The following is an entry in ClinVar:

NM_000404.4(GLB1):c.520T>C (p.Tyr174His)

Gene: GLB1 (galactosidase beta 1; minus strand). Cytogenetic location: 3p22.3.
Variant type: single nucleotide variant.
Coding change: c.520T>C on transcript NM_000404.4 (MANE Select); coding-DNA position 520, T replaced by C.
Protein change: p.Tyr174His; replaces tyrosine 174 with histidine.
Molecular consequence: missense variant.
Genome position (GRCh38, 1-based): chr3:33,065,495, A>G on the plus strand (T>C on the coding strand, the complement: GLB1 is on the minus strand). VCF-style: chr3-33065495-A-G. GRCh37 (hg19) VCF-style: chr3-33106987-A-G.
Other names: c.430T>C, p.Tyr144His (NM_001079811.3); c.308T>C, p.Leu103Pro (NM_001135602.3); c.664T>C, p.Tyr222His (NM_001317040.2); c.520T>C, p.Tyr174His (NM_001393580.1); c.520T>C (NM_000404.3); short protein forms L103P, Y144H, Y174H, Y222H.
Identifiers: ClinVar variation 3902680 (VCV003902680.2).

ClinVar aggregate classification (germline): Likely pathogenic. Review status: criteria provided, multiple submitters, no conflicts (2 of 4 stars). 2 submissions from 2 submitters: Likely pathogenic (2). Last evaluated 2025-05-27.

Conditions:
Mucopolysaccharidosis, MPS-IV-B (MPS4B). Also called: MORQUIO SYNDROME B; Mucopolysaccharidosis type IV B; Mucopolysaccharidosis Type IVB; Mucopolysaccharidosis type 4B; Mucopolysaccharidosis type IVB (Morquio); MPS IVB. Identifiers: Orphanet 309310, Orphanet 582, MedGen C0086652, MONDO:0009660, OMIM 253010.

Submissions (2):

Women's Health and Genetics/Laboratory Corporation of America, LabCorp
Classification: Likely pathogenic for Mucopolysaccharidosis, MPS-IV-B. Last evaluated: 2025-05-27. Review status: criteria provided, single submitter. Criteria: LabCorp Variant Classification Summary - May 2015. Collection method: clinical testing. Allele origin: germline.
Comment: Variant summary: GLB1 c.520T>C (p.Tyr174His) results in a conservative amino acid change in the encoded protein sequence. Algorithms developed to predict the effect of missense changes on protein structure and function are either unavailable or do not agree on the potential impact of this missense change. The frequency data for this variant in gnomAD is considered unreliable, as metrics indicate poor data quality at this position. c.520T>C has been observed in compound heterozygus or homozygous state in individuals affected with Mucopolysaccharidosis Type IVB (Morquio Syndrome B) (Takenouchi_2015, Ji_2018, Sun_2022). These data indicate that the variant is likely to be associated with disease. To our knowledge, no experimental evidence demonstrating an impact on protein function has been reported. The following publications have been ascertained in the context of this evaluation (PMID: 29451896, 35143101, 25443580). No submitters have cited clinical-significance assessments for this variant to ClinVar. Based on the evidence outlined above, the variant was classified as likely pathogenic.

Natera, Inc.
Classification: Likely pathogenic for Mucopolysaccharidosis, MPS-IV-B. Last evaluated: 2025-05-15. Review status: criteria provided, single submitter. Criteria: Natera Variant Classification Schema (03/2026). Collection method: clinical testing. Allele origin: germline.
Comment: The c.520T>C variant in GLB1 is a missense variant predicted to cause substitution of tyrosine to histidine at amino acid 174. This variant is rare in the general population with a frequency below the threshold expected for the associated phenotype(s). This variant has been observed in one or more individuals affected with the associated recessive disease, as either homozygous or compound heterozygous with a second variant (PMID: 25443580, 29451896). Additionally, this variant has been observed to segregate in affected family members (PMID: 25443580). Computational prediction algorithms indicate this variant is likely to affect gene or protein function. Given the available evidence, this variant is classified as Likely Pathogenic.

Literature cited by the submitters: PubMed 29451896 (cited by Women's Health and Genetics/Laboratory Corporation of America, LabCorp and Natera, Inc.); PubMed 35143101 (cited by Women's Health and Genetics/Laboratory Corporation of America, LabCorp); PubMed 25443580 (cited by Women's Health and Genetics/Laboratory Corporation of America, LabCorp and Natera, Inc.).